The following is an entry in ClinVar:

ClinVar aggregate classification (germline): Uncertain significance. Review status: criteria provided, multiple submitters, no conflicts (2 of 4 stars). 2 submissions from 2 submitters: Uncertain significance (2). Last evaluated 2025-06-06.

Conditions:
Primary ciliary dyskinesia 23 (CILD23). Also called: CILIARY DYSKINESIA, PRIMARY, 23, WITH OR WITHOUT SITUS INVERSUS. Identifiers: Orphanet 244, MedGen C3809548, MONDO:0014193, OMIM 615451.
Primary ciliary dyskinesia. Also called: Ciliary dyskinesia. Identifiers: Orphanet 244, MedGen C0008780, MONDO:0016575, HP:0012265.

Allele frequency attached by ClinVar (database versions not stated): gnomAD exomes 0.00001; ExAC 0.00002; gnomAD 0.00002; TOPMed 0.00002.
gnomAD v4.1: 17 of 1,613,780 alleles (0.0011%); highest among the groups gnomAD compares: African/African-American, 0.0067%; no homozygotes.

Submissions (2):

Ambry Genetics
Classification: Uncertain significance for Primary ciliary dyskinesia. Last evaluated: 2025-06-06. Review status: criteria provided, single submitter. Criteria: Ambry Variant Classification Scheme 2023. Collection method: clinical testing. Allele origin: germline.

Labcorp Genetics (formerly Invitae), Labcorp
Classification: Uncertain significance for Primary ciliary dyskinesia 23. Last evaluated: 2021-10-27. Review status: criteria provided, single submitter. Criteria: Invitae Variant Classification Sherloc (09022015). Collection method: clinical testing. Allele origin: germline.
Comment: In summary, the available evidence is currently insufficient to determine the role of this variant in disease. Therefore, it has been classified as a Variant of Uncertain Significance. Algorithms developed to predict the effect of missense changes on protein structure and function are either unavailable or do not agree on the potential impact of this missense change (SIFT: "Deleterious"; PolyPhen-2: "Probably Damaging"; Align-GVGD: "Class C0"). ClinVar contains an entry for this variant (Variation ID: 946708). This variant has not been reported in the literature in individuals affected with ARMC4-related conditions. This variant is present in population databases (rs772563349, gnomAD 0.003%). This sequence change replaces arginine, a(n) basic and polar amino acid, with tryptophan, a(n) neutral and slightly polar amino acid, at codon 731 of the ARMC4 protein (p.Arg731Trp).

NM_018076.5(ODAD2):c.2191C>T (p.Arg731Trp)

Gene: ODAD2 (outer dynein arm docking complex subunit 2; minus strand). Cytogenetic location: 10p12.1.
Variant type: single nucleotide variant.
Coding change: c.2191C>T on transcript NM_018076.5 (MANE Select); coding-DNA position 2191, C replaced by T.
Protein change: p.Arg731Trp; replaces arginine 731 with tryptophan.
Molecular consequence: missense variant.
Genome position (GRCh38, 1-based): chr10:27,936,787, G>A on the plus strand (C>T on the coding strand, the complement: ODAD2 is on the minus strand). VCF-style: chr10-27936787-G-A. GRCh37 (hg19) VCF-style: chr10-28225716-G-A.
Other names: c.2191C>T, p.Arg731Trp (NM_001290020.2); c.766C>T, p.Arg256Trp (NM_001290021.2); c.1267C>T, p.Arg423Trp (NM_001312689.2); short protein forms R256W, R423W, R731W.
Identifiers: ClinVar variation 946708 (VCV000946708.5), dbSNP rs772563349, ClinGen allele CA5453281.